The following is an entry in ClinVar:

ClinVar aggregate classification (germline): Pathogenic. Review status: criteria provided, multiple submitters, no conflicts (2 of 4 stars). 2 submissions from 2 submitters: Pathogenic (2). Last evaluated 2025-09-03.

Conditions:
Camptomelic dysplasia (CMPD). Also called: CMPD1/SRA1; Campomelic Dysplasia. Identifiers: Orphanet 140, MedGen C1861922, MONDO:0007251, OMIM 114290.

Submissions (2):

Variantyx, Inc.
Classification: Pathogenic for Camptomelic dysplasia. Last evaluated: 2025-09-03. Review status: criteria provided, single submitter. Criteria: Variantyx Assertion Criteria 2022. Collection method: clinical testing. Allele origin: de novo. Inheritance: Autosomal dominant inheritance. Affected: yes.
Comment: This is a nonsense variant in the SOX9 gene (OMIM: 608160). Pathogenic variants in this gene have been associated with autosomal dominant campomelic dysplasia. This variant introduces a premature termination codon in exon 3 out of 3 and is expected to disrupt the C-terminal region of protein. While loss of function is a known disease mechanism for SOX9 in this disorder (PMID: 7990924, 9002675, 8001137, 29542186, 25983619) (PVS1_Strong). This variant is absent from control populations (PM2). Based on the current evidence, this variant is classified as pathogenic for autosomal dominant campomelic dysplasia.

Equipe Genetique des Anomalies du Developpement, Université de Bourgogne
Classification: Pathogenic for Camptomelic dysplasia. Last evaluated: 2024-09-30. Review status: criteria provided, single submitter. Criteria: ACMG Guidelines, 2015. Collection method: clinical testing. Allele origin: de novo. Affected: yes.
Comment: This variant is absent from gnomAD (v4.1.0) and has not been previously reported in ClinVar. Monoallelic pathogenic variations resulting in a premature stop codon in the SOX9 gene are responsible for campomelic dysplasia (OMIM # 114290). According to the available evidence, this variant is considered to be pathogenic

Literature cited by the submitters: PubMed 7990924 (cited by Variantyx, Inc.); PubMed 9002675 (cited by Variantyx, Inc.); PubMed 8001137 (cited by Variantyx, Inc.); PubMed 29542186 (cited by Variantyx, Inc.); PubMed 25983619 (cited by Variantyx, Inc.).

NM_000346.4(SOX9):c.1069C>T (p.Gln357Ter)

Gene: SOX9 (SRY-box transcription factor 9; plus strand). Cytogenetic location: 17q24.3.
Variant type: single nucleotide variant.
Coding change: c.1069C>T on transcript NM_000346.4 (MANE Select); coding-DNA position 1069, C replaced by T.
Protein change: p.Gln357Ter; replaces glutamine 357 with a stop codon.
Molecular consequence: nonsense.
Genome position (GRCh38, 1-based): chr17:72,123,926, C>T. VCF-style: chr17-72123926-C-T. GRCh37 (hg19) VCF-style: chr17-70120067-C-T.
Other names: short protein forms Q357*.
Identifiers: ClinVar variation 3375473 (VCV003375473.3).
Genomic context (GRCh38, chr17:72,123,926, plus strand): 5'-TCCAAGCAGCAGGCGCCGCCGCCACCCCCGCAGCAGCCCCCACAGGCCCCGCCGGCCCCG[C>T]AGGCGCCCCCGCAGCCGCAGGCGGCGCCCCCACAGCAGCCGGCGGCACCCCCGCAGCAGC-3'